The following is an entry in ClinVar:

ClinVar aggregate classification (germline): Uncertain significance (1 of 4 stars; one submission).

gnomAD v4.1: 3 of 1,592,502 alleles (0.00019%); highest among the groups gnomAD compares: African/African-American, 0.0013%; no homozygotes.

Submission:

Labcorp Genetics (formerly Invitae), Labcorp
Classification: Uncertain significance. Last evaluated: 2023-05-17. Review status: criteria provided, single submitter. Criteria: Invitae Variant Classification Sherloc (09022015). Collection method: clinical testing. Allele origin: germline.
Comment: In summary, the available evidence is currently insufficient to determine the role of this variant in disease. Therefore, it has been classified as a Variant of Uncertain Significance. Advanced modeling of protein sequence and biophysical properties (such as structural, functional, and spatial information, amino acid conservation, physicochemical variation, residue mobility, and thermodynamic stability) performed at Invitae indicates that this missense variant is expected to disrupt MYH14 protein function. This variant has not been reported in the literature in individuals affected with MYH14-related conditions. This variant is present in population databases (no rsID available, gnomAD 0.007%). This sequence change replaces arginine, which is basic and polar, with cysteine, which is neutral and slightly polar, at codon 1698 of the MYH14 protein (p.Arg1698Cys).

NM_001145809.2(MYH14):c.5215C>T (p.Arg1739Cys)

Gene: MYH14 (myosin heavy chain 14; plus strand). Cytogenetic location: 19q13.33.
Variant type: single nucleotide variant.
Coding change: c.5215C>T on transcript NM_001145809.2 (MANE Select); coding-DNA position 5215, C replaced by T.
Protein change: p.Arg1739Cys; replaces arginine 1739 with cysteine.
Molecular consequence: missense variant.
Genome position (GRCh38, 1-based): chr19:50,292,348, C>T. VCF-style: chr19-50292348-C-T. GRCh37 (hg19) VCF-style: chr19-50795605-C-T.
Other names: c.5116C>T, p.Arg1706Cys (NM_001077186.2); c.5092C>T, p.Arg1698Cys (NM_024729.4); short protein forms R1698C, R1706C, R1739C.
Identifiers: ClinVar variation 2959454 (VCV002959454.3), dbSNP rs761663501, ClinGen allele CA406962559.